The following is an entry in ClinVar:

NM_005027.4(PIK3R2):c.1216C>T (p.Arg406Cys)

Gene: PIK3R2 (phosphoinositide-3-kinase regulatory subunit 2; plus strand). Cytogenetic location: 19p13.11.
Variant type: single nucleotide variant.
Coding change: c.1216C>T on transcript NM_005027.4 (MANE Select); coding-DNA position 1216, C replaced by T.
Protein change: p.Arg406Cys; replaces arginine 406 with cysteine.
Molecular consequence: missense variant. On other transcripts: non-coding transcript variant (2).
Genome position (GRCh38, 1-based): chr19:18,163,073, C>T. VCF-style: chr19-18163073-C-T. GRCh37 (hg19) VCF-style: chr19-18273883-C-T.
Other names: c.1216C>T (NM_005027.2); short protein forms R406C.
Identifiers: ClinVar variation 2040253 (VCV002040253.5), dbSNP rs149367522, ClinGen allele CA9306954.

ClinVar aggregate classification (germline): Uncertain significance. Review status: criteria provided, multiple submitters, no conflicts (2 of 4 stars). 2 submissions from 2 submitters: Uncertain significance (2). Last evaluated 2025-04-11.

Conditions:
Inborn genetic diseases. Identifiers: MedGen C0950123, MeSH D030342.
Megalencephaly-polymicrogyria-postaxial polydactyly-hydrocephalus syndrome. Also called: MEG-PMG-MEGACC SYNDROME; MPPH Syndrome. Identifiers: Orphanet 83473, MedGen C1863924, MONDO:0019375.

Allele frequency attached by ClinVar (database versions not stated): gnomAD exomes 0.00001; TOPMed 0.00003; ESP Exome Variant Server 0.00008.
gnomAD v4.1: 18 of 1,613,744 alleles (0.0011%); highest among the groups gnomAD compares: Admixed American, 0.012%; no homozygotes.

Submissions (2):

Ambry Genetics
Classification: Uncertain significance for Inborn genetic diseases. Last evaluated: 2025-04-11. Review status: criteria provided, single submitter. Criteria: Ambry Variant Classification Scheme 2023. Collection method: clinical testing. Allele origin: germline.

Labcorp Genetics (formerly Invitae), Labcorp
Classification: Uncertain significance for Megalencephaly-polymicrogyria-postaxial polydactyly-hydrocephalus syndrome. Last evaluated: 2022-05-11. Review status: criteria provided, single submitter. Criteria: Invitae Variant Classification Sherloc (09022015). Collection method: clinical testing. Allele origin: germline.
Comment: This variant is present in population databases (rs149367522, gnomAD 0.01%). In summary, the available evidence is currently insufficient to determine the role of this variant in disease. Therefore, it has been classified as a Variant of Uncertain Significance. Advanced modeling of protein sequence and biophysical properties (such as structural, functional, and spatial information, amino acid conservation, physicochemical variation, residue mobility, and thermodynamic stability) performed at Invitae indicates that this missense variant is expected to disrupt PIK3R2 protein function. This variant has not been reported in the literature in individuals affected with PIK3R2-related conditions. This sequence change replaces arginine, which is basic and polar, with cysteine, which is neutral and slightly polar, at codon 406 of the PIK3R2 protein (p.Arg406Cys).